The following is an entry in ClinVar:

NM_000038.6(APC):c.5403T>C (p.Ala1801=)

Gene: APC (APC regulator of Wnt signaling pathway; plus strand). Cytogenetic location: 5q22.2.
Variant type: single nucleotide variant.
Coding change: c.5403T>C on transcript NM_000038.6 (MANE Select); coding-DNA position 5403, T replaced by C.
Protein change: p.Ala1801=; no amino-acid change (alanine 1801 retained).
Molecular consequence: synonymous variant.
Genome position (GRCh38, 1-based): chr5:112,840,997, T>C. VCF-style: chr5-112840997-T-C. GRCh37 (hg19) VCF-style: chr5-112176694-T-C.
Other names: c.5403T>C, p.Ala1801= (NM_001127510.3, NM_001354895.2); c.5349T>C, p.Ala1783= (NM_001127511.3); c.5457T>C, p.Ala1819= (NM_001354896.2); c.5433T>C, p.Ala1811= (NM_001354897.2); c.5328T>C, p.Ala1776= (NM_001354898.2); c.5319T>C, p.Ala1773= (NM_001354899.2); c.5280T>C, p.Ala1760= (NM_001354900.2); c.5226T>C, p.Ala1742= (NM_001354901.2); and 5 more.
Identifiers: ClinVar variation 388133 (VCV000388133.18), dbSNP rs750936426, ClinGen allele CA041827.

ClinVar aggregate classification (germline): Benign/Likely benign. Review status: criteria provided, multiple submitters, no conflicts (2 of 4 stars). 4 submissions from 4 submitters: Benign (1); Likely benign (3). Last evaluated 2024-04-02.

Conditions:
Hereditary cancer-predisposing syndrome. Also called: Hereditary Cancer Syndrome; Hereditary neoplastic syndrome; Neoplastic Syndromes, Hereditary; Tumor predisposition. Identifiers: Orphanet 140162, MedGen C0027672, MeSH D009386, MONDO:0015356.
Familial adenomatous polyposis 1 (FAP1). Also called: FAMILIAL ADENOMATOUS POLYPOSIS 1, ATTENUATED; POLYPOSIS, ADENOMATOUS INTESTINAL. Identifiers: MedGen C2713442, MONDO:0021056, OMIM 175100. Disease mechanism: loss of function.

Allele frequency attached by ClinVar (database versions not stated): gnomAD exomes below 0.00001; ExAC 0.00001; gnomAD 0.00001; TOPMed 0.00001.
gnomAD v4.1: 2 of 1,612,024 alleles (0.00012%); highest among the groups gnomAD compares: Non-Finnish European, 0.00017%; no homozygotes.

Submissions (4):

Myriad Genetics, Inc.
Classification: Benign for Familial adenomatous polyposis 1. Last evaluated: 2024-04-02. Review status: criteria provided, single submitter. Criteria: Myriad Autosomal Dominant, Autosomal Recessive and X-Linked Classification Criteria (2023). Collection method: clinical testing. Allele origin: unknown.
Comment: This variant is considered benign. This variant is a silent/synonymous amino acid change and it is not expected to impact splicing.

Labcorp Genetics (formerly Invitae), Labcorp
Classification: Likely benign for Familial adenomatous polyposis 1. Last evaluated: 2023-10-05. Review status: criteria provided, single submitter. Criteria: Invitae Variant Classification Sherloc (09022015). Collection method: clinical testing. Allele origin: germline.

Ambry Genetics
Classification: Likely benign for Hereditary cancer-predisposing syndrome. Last evaluated: 2018-01-12. Review status: criteria provided, single submitter. Criteria: Ambry Variant Classification Scheme 2023. Collection method: clinical testing. Allele origin: germline.

GeneDx
Classification: Likely benign. Last evaluated: 2018-01-12. Review status: criteria provided, single submitter. Criteria: GeneDx Variant Classification (06012015). Collection method: clinical testing. Allele origin: germline. Affected: yes.
Comment: This variant is considered likely benign or benign based on one or more of the following criteria: it is a conservative change, it occurs at a poorly conserved position in the protein, it is predicted to be benign by multiple in silico algorithms, and/or has population frequency not consistent with disease.